The following is an entry in ClinVar:

NM_020810.3(TRMT5):c.1289A>C (p.Asp430Ala)

Gene: TRMT5 (tRNA methyltransferase 5; minus strand). Cytogenetic location: 14q23.1.
Variant type: single nucleotide variant.
Coding change: c.1289A>C on transcript NM_020810.3 (MANE Select); coding-DNA position 1289, A replaced by C.
Protein change: p.Asp430Ala; replaces aspartic acid 430 with alanine.
Molecular consequence: missense variant.
Genome position (GRCh38, 1-based): chr14:60,975,630, T>G on the plus strand (A>C on the coding strand, the complement: TRMT5 is on the minus strand). VCF-style: chr14-60975630-T-G. GRCh37 (hg19) VCF-style: chr14-61442348-T-G.
Other names: c.1373A>C, p.Asp458Ala (NM_001350253.1); c.1370A>C, p.Asp457Ala (NM_001350254.1); short protein forms D430A, D458A, D457A.
Identifiers: ClinVar variation 2101941 (VCV002101941.4), dbSNP rs895841164, ClinGen allele CA261750214.
Genomic context (GRCh38, chr14:60,975,630, plus strand): 5'-TGAACTGAACTGCATGCCTCCAGAGAAATGCCTAACACAGCTCCAGCCCTTTGCCGAACA[T>G]CCTCAGCAGGGTTAGCATCTTTGGAAAAGCTATAACAATGCACTATGGGAAGGAACTCAC-3'
Protein context (NP_065861.3, residues 420-440): SFSKDANPAE[Asp430Ala]VRQRAGAVLG

ClinVar aggregate classification (germline): Uncertain significance (1 of 4 stars; one submission).

Allele frequency attached by ClinVar (database versions not stated): gnomAD exomes below 0.00001.
gnomAD v4.1: 1 of 1,614,122 alleles (0.000062%); highest among the groups gnomAD compares: Non-Finnish European, 0.000085%; no homozygotes.

Submission:

Labcorp Genetics (formerly Invitae), Labcorp
Classification: Uncertain significance. Last evaluated: 2022-02-22. Review status: criteria provided, single submitter. Criteria: Invitae Variant Classification Sherloc (09022015). Collection method: clinical testing. Allele origin: germline.
Comment: In summary, the available evidence is currently insufficient to determine the role of this variant in disease. Therefore, it has been classified as a Variant of Uncertain Significance. Algorithms developed to predict the effect of missense changes on protein structure and function (SIFT, PolyPhen-2, Align-GVGD) all suggest that this variant is likely to be tolerated. This variant has not been reported in the literature in individuals affected with TRMT5-related conditions. This variant is not present in population databases (gnomAD no frequency). This sequence change replaces aspartic acid, which is acidic and polar, with alanine, which is neutral and non-polar, at codon 430 of the TRMT5 protein (p.Asp430Ala).